The following is an entry in ClinVar:

NM_001374736.1(DST):c.20785G>C (p.Glu6929Gln)

Gene: DST (dystonin; minus strand). Cytogenetic location: 6p12.1.
Variant type: single nucleotide variant.
Coding change: c.20785G>C on transcript NM_001374736.1 (MANE Select); coding-DNA position 20785, G replaced by C.
Protein change: p.Glu6929Gln; replaces glutamic acid 6929 with glutamine.
Molecular consequence: missense variant.
Genome position (GRCh38, 1-based): chr6:56,489,582, C>G on the plus strand (G>C on the coding strand, the complement: DST is on the minus strand). VCF-style: chr6-56489582-C-G. GRCh37 (hg19) VCF-style: chr6-56354380-C-G.
Other names: c.14428G>C, p.Glu4810Gln (NM_001144769.5); c.14014G>C, p.Glu4672Gln (NM_001144770.2); c.20785G>C, p.Glu6929Gln (NM_001374722.1); c.19825G>C, p.Glu6609Gln (NM_001374729.1); c.13567G>C, p.Glu4523Gln (NM_001374730.1); c.20812G>C, p.Glu6938Gln (NM_001374734.1); c.13894G>C, p.Glu4632Gln (NM_001386100.1, NM_183380.4); c.12916G>C, p.Glu4306Gln (NM_015548.5); short protein forms E6929Q, E4523Q, E6938Q, E4632Q, E4810Q, E4306Q, E4672Q, E6609Q.
Identifiers: ClinVar variation 1987065 (VCV001987065.2), dbSNP rs773374938, ClinGen allele CA3866664.
Genomic context (GRCh38, chr6:56,489,582, plus strand): 5'-CTGGATCATTTGCGATTTCCAGTTCAGAATCCAAAGACTTTTCTGACTCTTCTAGCCACT[C>G]CATAAGTTTACTCCAAGCTTCATGGAACTAGAAAGAAATTCACACCTTTGTCTGAAAATT-3'
Protein context (NP_001361665.1, residues 6919-6939): QFHEAWSKLM[Glu6929Gln]WLEESEKSLD

ClinVar aggregate classification (germline): Uncertain significance (1 of 4 stars; one submission).

Conditions:
Hereditary sensory and autonomic neuropathy type 6. Also called: Neuropathy, hereditary sensory and autonomic, type VI; HSAN VI. Identifiers: Orphanet 314381, MedGen C3539003, MONDO:0013839, OMIM 614653.
Epidermolysis bullosa simplex 3, localized or generalized intermediate, with BP230 deficiency (EBS3). Also called: Epidermolysis bullosa simplex due to BP230 deficiency; Epidermolysis bullosa simplex, autosomal recessive 2. Identifiers: Orphanet 412181, MedGen C3809470, MONDO:0014180, OMIM 615425.

Allele frequency attached by ClinVar (database versions not stated): ExAC 0.00001; gnomAD exomes 0.00001.
gnomAD v4.1: 8 of 1,612,472 alleles (0.0005%); highest among the groups gnomAD compares: Non-Finnish European, 0.00068%; no homozygotes.

Submission:

Labcorp Genetics (formerly Invitae), Labcorp
Classification: Uncertain significance for Epidermolysis bullosa simplex 3, localized or generalized intermediate, with BP230 deficiency; Hereditary sensory and autonomic neuropathy type 6. Last evaluated: 2023-04-24. Review status: criteria provided, single submitter. Criteria: Invitae Variant Classification Sherloc (09022015). Collection method: clinical testing. Allele origin: germline.
Comment: In summary, the available evidence is currently insufficient to determine the role of this variant in disease. Therefore, it has been classified as a Variant of Uncertain Significance. Experimental studies and prediction algorithms are not available or were not evaluated, and the functional significance of this variant is currently unknown. This variant has not been reported in the literature in individuals affected with DST-related conditions. This variant is present in population databases (rs773374938, gnomAD 0.0009%). This sequence change replaces glutamic acid, which is acidic and polar, with glutamine, which is neutral and polar, at codon 4306 of the DST protein (p.Glu4306Gln). The DST gene has multiple clinically relevant transcripts. This variant occurs in alternate transcript NM_015548.4, and corresponds to NM_001723.5:c.*125935G>C in the primary transcript.